The following is an entry in ClinVar:

ClinVar aggregate classification (germline): Uncertain significance. Review status: criteria provided, multiple submitters, no conflicts (2 of 4 stars). 4 submissions from 3 submitters: Uncertain significance (4). Last evaluated 2024-01-29.

Conditions:
Familial cutaneous telangiectasia and oropharyngeal predisposition cancer syndrome. Identifiers: Orphanet 313846, MedGen C3281203, MONDO:0013806, OMIM 614564.
Inborn genetic diseases. Identifiers: MedGen C0950123, MeSH D030342.
Seckel syndrome 1 (SCKL1). Also called: MICROCEPHALIC PRIMORDIAL DWARFISM I. Identifiers: Orphanet 808, MedGen C4551474, MONDO:0008869, OMIM 210600.

Allele frequency attached by ClinVar (database versions not stated): gnomAD exomes below 0.00001; TOPMed 0.00001; ESP Exome Variant Server 0.00008.
gnomAD v4.1: 1 of 1,613,888 alleles (0.000062%); highest among the groups gnomAD compares: Non-Finnish European, 0.000085%; no homozygotes.

Submissions (4):

Ambry Genetics
Classification: Uncertain significance for Inborn genetic diseases. Last evaluated: 2024-01-29. Review status: criteria provided, single submitter. Criteria: Ambry Variant Classification Scheme 2023. Collection method: clinical testing. Allele origin: germline.
Comment: The p.R2476S variant (also known as c.7426C>A), located in coding exon 44 of the ATR gene, results from a C to A substitution at nucleotide position 7426. The arginine at codon 2476 is replaced by serine, an amino acid with dissimilar properties. This amino acid position is conserved. In addition, this alteration is predicted to be deleterious by in silico analysis. Since supporting evidence is limited at this time, the clinical significance of this alteration remains unclear.

Genome-Nilou Lab
Classification: Uncertain significance for Seckel syndrome 1. Last evaluated: 2023-02-08. Review status: criteria provided, single submitter. Criteria: ACMG Guidelines, 2015. Collection method: clinical testing. Allele origin: germline.

Genome-Nilou Lab
Classification: Uncertain significance for Familial cutaneous telangiectasia and oropharyngeal predisposition cancer syndrome. Last evaluated: 2023-02-08. Review status: criteria provided, single submitter. Criteria: ACMG Guidelines, 2015. Collection method: clinical testing. Allele origin: germline.

Labcorp Genetics (formerly Invitae), Labcorp
Classification: Uncertain significance. Last evaluated: 2019-11-14. Review status: criteria provided, single submitter. Criteria: Invitae Variant Classification Sherloc (09022015). Collection method: clinical testing. Allele origin: germline.
Comment: Algorithms developed to predict the effect of missense changes on protein structure and function (SIFT, PolyPhen-2, Align-GVGD) all suggest that this variant is likely to be disruptive, but these predictions have not been confirmed by published functional studies and their clinical significance is uncertain. This variant has not been reported in the literature in individuals with ATR-related conditions. This variant is not present in population databases (ExAC no frequency). This sequence change replaces arginine with serine at codon 2476 of the ATR protein (p.Arg2476Ser). The arginine residue is highly conserved and there is a moderate physicochemical difference between arginine and serine. In summary, the available evidence is currently insufficient to determine the role of this variant in disease. Therefore, it has been classified as a Variant of Uncertain Significance.

NM_001184.4(ATR):c.7426C>A (p.Arg2476Ser)

Gene: ATR (ATR checkpoint kinase; minus strand). Cytogenetic location: 3q23.
Variant type: single nucleotide variant.
Coding change: c.7426C>A on transcript NM_001184.4 (MANE Select); coding-DNA position 7426, C replaced by A.
Protein change: p.Arg2476Ser; replaces arginine 2476 with serine.
Molecular consequence: missense variant.
Genome position (GRCh38, 1-based): chr3:142,459,035, G>T on the plus strand (C>A on the coding strand, the complement: ATR is on the minus strand). VCF-style: chr3-142459035-G-T. GRCh37 (hg19) VCF-style: chr3-142177877-G-T.
Other names: c.7234C>A, p.Arg2412Ser (NM_001354579.2); short protein forms R2476S, R2412S.
Identifiers: ClinVar variation 956492 (VCV000956492.12), dbSNP rs376735982, ClinGen allele CA84726148.
Genomic context (GRCh38, chr3:142,459,035, plus strand): 5'-TGAAATCTACATGTACGCATTCACCAGTCAAAGAATCAAAGAGAATATTTTCACCATGAC[G>T]GTCTCCAAGCCCCAGAATATAACCAACCATTGACATTACTGCAGTGGAACGGCAGTAAGC-3'
Protein context (NP_001175.2, residues 2466-2486): MVGYILGLGD[Arg2476Ser]HGENILFDSL